The following is an entry in ClinVar:

ClinVar aggregate classification (germline): Uncertain significance (1 of 4 stars; one submission).

Submission:

CeGaT Center for Human Genetics Tuebingen
Classification: Uncertain significance. Last evaluated: 2026-01-01. Review status: criteria provided, single submitter. Criteria: CeGaT Center For Human Genetics Tuebingen Variant Classification Criteria Version 2. Collection method: clinical testing. Allele origin: germline. Affected: yes. Observed: 1 variant allele.
Comment: SPG7: PM2:Supporting, BP4

NM_003119.4(SPG7):c.1369C>A (p.Arg457=)

Gene: SPG7 (SPG7 matrix AAA peptidase subunit, paraplegin; plus strand). Cytogenetic location: 16q24.3.
Variant type: single nucleotide variant.
Coding change: c.1369C>A on transcript NM_003119.4 (MANE Select); coding-DNA position 1369, C replaced by A.
Protein change: p.Arg457=; no amino-acid change (arginine 457 retained).
Molecular consequence: synonymous variant.
Genome position (GRCh38, 1-based): chr16:89,544,692, C>A. VCF-style: chr16-89544692-C-A. GRCh37 (hg19) VCF-style: chr16-89611100-C-A.
Other names: c.1369C>A, p.Arg457= (NM_001363850.1).
Identifiers: ClinVar variation 4823153 (VCV004823153.4).
Genomic context (GRCh38, chr16:89,544,692, plus strand): 5'-TGCTCTGTCCCCTCAGGAATGGGTACCACAGACCATGTCATCGTCCTGGCGTCCACGAAC[C>A]GAGCTGACATTTTGGACGGTGCTCTGATGAGGCCAGGCCGACTGGACCGGCACGTCTTCA-3'
Protein context (NP_003110.1, residues 447-467): DHVIVLASTN[Arg457=]ADILDGALMR